The following is an entry in ClinVar:

NM_012156.2(EPB41L1):c.1684G>A (p.Glu562Lys)

Gene: EPB41L1 (erythrocyte membrane protein band 4.1 like 1; plus strand). Cytogenetic location: 20q11.23.
Variant type: single nucleotide variant.
Coding change: c.1684G>A on transcript NM_012156.2 (MANE Select); coding-DNA position 1684, G replaced by A.
Protein change: p.Glu562Lys; replaces glutamic acid 562 with lysine.
Molecular consequence: missense variant. On other transcripts: intron variant (1).
Genome position (GRCh38, 1-based): chr20:36,209,503, G>A. VCF-style: chr20-36209503-G-A. GRCh37 (hg19) VCF-style: chr20-34797425-G-A.
Other names: c.1684G>A, p.Glu562Lys (NM_001258329.1); c.1462G>A, p.Glu488Lys (NM_001258331.2, NM_177996.2); c.1540-2769G>A (NM_001258330.1); short protein forms E488K, E562K.
Identifiers: ClinVar variation 1878288 (VCV001878288.1), dbSNP rs1600981661, ClinGen allele CA408797423.

ClinVar aggregate classification (germline): Uncertain significance (1 of 4 stars; one submission).

Allele frequency attached by ClinVar (database versions not stated): gnomAD exomes below 0.00001.
gnomAD v4.1: 5 of 1,613,940 alleles (0.00031%); highest among the groups gnomAD compares: Non-Finnish European, 0.00034%; no homozygotes.

Submission:

Women's Health and Genetics/Laboratory Corporation of America, LabCorp
Classification: Uncertain significance. Last evaluated: 2022-12-12. Review status: criteria provided, single submitter. Criteria: LabCorp Variant Classification Summary - May 2015. Collection method: clinical testing. Allele origin: germline.
Comment: Variant summary: EPB41L1 c.1684G>A (p.Glu562Lys) results in a conservative amino acid change in the encoded protein sequence. Four of five in-silico tools predict a benign effect of the variant on protein function. The variant was absent in 250974 control chromosomes. The available data on variant occurrences in the general population are insufficient to allow any conclusion about variant significance. To our knowledge, no occurrence of c.1684G>A in individuals affected with Intellectual Disability, Autosomal Dominant 11 and no experimental evidence demonstrating its impact on protein function have been reported. No clinical diagnostic laboratories have submitted clinical-significance assessments for this variant to ClinVar after 2014. Based on the evidence outlined above, the variant was classified as uncertain significance.